The following is an entry in ClinVar:

NM_022114.4(PRDM16):c.3272G>A (p.Arg1091Gln)

Gene: PRDM16 (PR/SET domain 16; plus strand). Cytogenetic location: 1p36.32.
Variant type: single nucleotide variant.
Coding change: c.3272G>A on transcript NM_022114.4 (MANE Select); coding-DNA position 3272, G replaced by A.
Protein change: p.Arg1091Gln; replaces arginine 1091 with glutamine.
Molecular consequence: missense variant.
Genome position (GRCh38, 1-based): chr1:3,426,213, G>A. VCF-style: chr1-3426213-G-A. GRCh37 (hg19) VCF-style: chr1-3342777-G-A.
Other names: c.3272G>A, p.Arg1091Gln (NM_199454.3); short protein forms R1091Q.
Identifiers: ClinVar variation 854454 (VCV000854454.14), dbSNP rs564269453, ClinGen allele CA544791.

ClinVar aggregate classification (germline): Uncertain significance (1 of 4 stars; one submission).

Conditions:
Left ventricular noncompaction 8 (LVNC8). Identifiers: Orphanet 154, Orphanet 54260, MedGen C3809288, MONDO:0014152, OMIM 615373.

Allele frequency attached by ClinVar (database versions not stated): ExAC 0.00003; gnomAD exomes 0.00003 and 0.00004; gnomAD 0.00004; TOPMed 0.00004; 1000 Genomes Project 0.00020; 1000 Genomes Project 30x 0.00031.
gnomAD v4.1: 52 of 1,613,178 alleles (0.0032%); highest among the groups gnomAD compares: African/African-American, 0.011%; no homozygotes.

Submission:

Labcorp Genetics (formerly Invitae), Labcorp
Classification: Uncertain significance for Left ventricular noncompaction 8. Last evaluated: 2025-02-26. Review status: criteria provided, single submitter. Criteria: Invitae Variant Classification Sherloc (09022015). Collection method: clinical testing. Allele origin: germline.
Comment: This sequence change replaces arginine, which is basic and polar, with glutamine, which is neutral and polar, at codon 1091 of the PRDM16 protein (p.Arg1091Gln). This variant is present in population databases (rs564269453, gnomAD 0.01%). This variant has not been reported in the literature in individuals affected with PRDM16-related conditions. ClinVar contains an entry for this variant (Variation ID: 854454). An algorithm developed to predict the effect of missense changes on protein structure and function (PolyPhen-2) suggests that this variant is likely to be tolerated. In summary, the available evidence is currently insufficient to determine the role of this variant in disease. Therefore, it has been classified as a Variant of Uncertain Significance.